The following is an entry in ClinVar:

ClinVar aggregate classification (germline): Uncertain significance. Review status: criteria provided, multiple submitters, no conflicts (2 of 4 stars). 3 submissions from 3 submitters: Uncertain significance (3). Last evaluated 2025-11-16.

Conditions:
Tumor predisposition syndrome 3 (TPDS3). Also called: Melanoma, cutaneous malignant, susceptibility to, 10; Glioma susceptibility 9; LONG TELOMERE SYNDROME, POT1-RELATED; POT1 Tumor Predisposition. Identifiers: Orphanet 618, MedGen C4014476, MONDO:0014368, OMIM 615848.
Hereditary cancer-predisposing syndrome. Also called: Hereditary neoplastic syndrome; Neoplastic Syndromes, Hereditary; Hereditary Cancer Syndrome; Tumor predisposition. Identifiers: Orphanet 140162, MedGen C0027672, MeSH D009386, MONDO:0015356.

Allele frequency attached by ClinVar (database versions not stated): ExAC 0.00001; gnomAD 0.00001; gnomAD exomes 0.00001.
gnomAD v4.1: 11 of 1,613,824 alleles (0.00068%); highest among the groups gnomAD compares: East Asian, 0.0022%; no homozygotes.

Submissions (3):

Labcorp Genetics (formerly Invitae), Labcorp
Classification: Uncertain significance for Tumor predisposition syndrome 3. Last evaluated: 2025-11-16. Review status: criteria provided, single submitter. Criteria: Invitae Variant Classification Sherloc (09022015). Collection method: clinical testing. Allele origin: germline.
Comment: This sequence change replaces arginine, which is basic and polar, with cysteine, which is neutral and slightly polar, at codon 137 of the POT1 protein (p.Arg137Cys). This variant is present in population databases (rs765706794, gnomAD 0.009%). This variant has not been reported in the literature in individuals affected with POT1-related conditions. ClinVar contains an entry for this variant (Variation ID: 569161). Invitae Evidence Modeling of protein sequence and biophysical properties (such as structural, functional, and spatial information, amino acid conservation, physicochemical variation, residue mobility, and thermodynamic stability) indicates that this missense variant is not expected to disrupt POT1 protein function with a negative predictive value of 80%. In summary, the available evidence is currently insufficient to determine the role of this variant in disease. Therefore, it has been classified as a Variant of Uncertain Significance.

Ambry Genetics
Classification: Uncertain significance for Hereditary cancer-predisposing syndrome. Last evaluated: 2024-03-11. Review status: criteria provided, single submitter. Criteria: Ambry Variant Classification Scheme 2023. Collection method: clinical testing. Allele origin: germline.
Comment: The p.R137C variant (also known as c.409C>T), located in coding exon 4 of the POT1 gene, results from a C to T substitution at nucleotide position 409. The arginine at codon 137 is replaced by cysteine, an amino acid with highly dissimilar properties. This amino acid position is highly conserved in available vertebrate species. In addition, this alteration is predicted to be deleterious by in silico analysis. Based on the available evidence, the clinical significance of this alteration remains unclear.

Blueprint Genetics
Classification: Uncertain significance. Last evaluated: 2023-07-18. Review status: criteria provided, single submitter. Criteria: ACMG Guidelines, 2015. Collection method: clinical testing. Allele origin: germline.

Literature cited by the submitters: PubMed 23502782 (cited by Ambry Genetics); PubMed 27528712 (cited by Ambry Genetics).

NM_015450.3(POT1):c.409C>T (p.Arg137Cys)

Gene: POT1 (protection of telomeres 1; minus strand). Cytogenetic location: 7q31.33.
Variant type: single nucleotide variant.
Coding change: c.409C>T on transcript NM_015450.3 (MANE Select); coding-DNA position 409, C replaced by T.
Protein change: p.Arg137Cys; replaces arginine 137 with cysteine.
Molecular consequence: missense variant. On other transcripts: non-coding transcript variant (3).
Genome position (GRCh38, 1-based): chr7:124,863,487, G>A on the plus strand (C>T on the coding strand, the complement: POT1 is on the minus strand). VCF-style: chr7-124863487-G-A. GRCh37 (hg19) VCF-style: chr7-124503541-G-A.
Other names: c.16C>T, p.Arg6Cys (NM_001042594.2); short protein forms R137C, R6C.
Identifiers: ClinVar variation 569161 (VCV000569161.13), dbSNP rs765706794, ClinGen allele CA4465450.